The following is an entry in ClinVar:

NM_004064.5(CDKN1B):c.91A>C (p.Asn31His)

Gene: CDKN1B (cyclin dependent kinase inhibitor 1B; plus strand). Cytogenetic location: 12p13.1.
Variant type: single nucleotide variant.
Coding change: c.91A>C on transcript NM_004064.5 (MANE Select); coding-DNA position 91, A replaced by C.
Protein change: p.Asn31His; replaces asparagine 31 with histidine.
Molecular consequence: missense variant.
Genome position (GRCh38, 1-based): chr12:12,717,930, A>C. VCF-style: chr12-12717930-A-C. GRCh37 (hg19) VCF-style: chr12-12870864-A-C.
Other names: short protein forms N31H.
Identifiers: ClinVar variation 2750914 (VCV002750914.3), dbSNP rs2497404007, ClinGen allele CA383968480.

ClinVar aggregate classification (germline): Uncertain significance (1 of 4 stars; one submission).

Conditions:
Multiple endocrine neoplasia type 4. Also called: MULTIPLE ENDOCRINE NEOPLASIA, TYPE IV. Identifiers: Orphanet 276152, MedGen C1970712, MONDO:0012552, OMIM 610755.

Submission:

Labcorp Genetics (formerly Invitae), Labcorp
Classification: Uncertain significance for Multiple endocrine neoplasia type 4. Last evaluated: 2025-06-16. Review status: criteria provided, single submitter. Criteria: Invitae Variant Classification Sherloc (09022015). Collection method: clinical testing. Allele origin: germline.
Comment: This sequence change replaces asparagine, which is neutral and polar, with histidine, which is basic and polar, at codon 31 of the CDKN1B protein (p.Asn31His). This variant is not present in population databases (gnomAD no frequency). This variant has not been reported in the literature in individuals affected with CDKN1B-related conditions. ClinVar contains an entry for this variant (Variation ID: 2750914). An algorithm developed to predict the effect of missense changes on protein structure and function (PolyPhen-2) suggests that this variant is likely to be disruptive. In summary, the available evidence is currently insufficient to determine the role of this variant in disease. Therefore, it has been classified as a Variant of Uncertain Significance.